The following is an entry in ClinVar:

NM_000059.4(BRCA2):c.967del (p.Lys322_Val323insTer)

Gene: BRCA2 (BRCA2 DNA repair associated; plus strand). Cytogenetic location: 13q13.1.
Variant type: Deletion.
Coding change: c.967del on transcript NM_000059.4 (MANE Select); coding-DNA position 967, one base deleted (G; older notation c.967delG).
Protein change: p.Lys322_Val323insTer.
Molecular consequence: nonsense. On other transcripts: frameshift variant (3).
Genome position (GRCh38, 1-based): chr13:32,332,445, G deleted. VCF-style (leftmost placement, unchanged base first): chr13-32332444-AG-A. GRCh37 (hg19) VCF-style: chr13-32906581-AG-A.
Other names: c.967delG, p.Val323Terfs (NM_001406719.1, NM_001406720.1, NM_001406721.1).
Identifiers: ClinVar variation 2431292 (VCV002431292.1), dbSNP rs2548519226, ClinGen allele CA2580087184.

ClinVar aggregate classification (germline): Pathogenic (1 of 4 stars; one submission).

Conditions:
Breast-ovarian cancer, familial, susceptibility to, 2 (BROVCA2). Also called: BRCA2 Hereditary Breast and Ovarian Cancer. Identifiers: Orphanet 145, MedGen C2675520, MONDO:0012933, OMIM 612555. Disease mechanism: loss of function.

Submission:

Myriad Genetics, Inc.
Classification: Pathogenic for Breast-ovarian cancer, familial, susceptibility to, 2. Last evaluated: 2023-01-31. Review status: criteria provided, single submitter. Criteria: Myriad Autosomal Dominant, Autosomal Recessive and X-Linked Classification Criteria (2023). Collection method: clinical testing. Allele origin: unknown.
Comment: This variant is considered pathogenic. This variant creates a termination codon and is predicted to result in premature protein truncation.